The following is an entry in ClinVar:

ClinVar aggregate classification (germline): Uncertain significance (1 of 4 stars; one submission).

Conditions:
Eichsfeld type congenital muscular dystrophy (CMYO3). Also called: MYOPATHY, SEPN1-RELATED; SELENON-related myopathy; Congenital myopathy 3 with rigid spine; Rigid spine muscular dystrophy 1. Identifiers: MedGen C0410180, MONDO:0100100, OMIM 602771.

Allele frequency attached by ClinVar (database versions not stated): gnomAD exomes below 0.00001.
gnomAD v4.1: 2 of 1,084,560 alleles (0.00018%); highest among the groups gnomAD compares: Middle Eastern, 0.041%; no homozygotes.

Submission:

Labcorp Genetics (formerly Invitae), Labcorp
Classification: Uncertain significance for Eichsfeld type congenital muscular dystrophy. Last evaluated: 2021-09-07. Review status: criteria provided, single submitter. Criteria: Invitae Variant Classification Sherloc (09022015). Collection method: clinical testing. Allele origin: germline.
Comment: Algorithms developed to predict the effect of missense changes on protein structure and function (SIFT, PolyPhen-2, Align-GVGD) all suggest that this variant is likely to be tolerated. In summary, the available evidence is currently insufficient to determine the role of this variant in disease. Therefore, it has been classified as a Variant of Uncertain Significance. This variant has not been reported in the literature in individuals affected with SELENON-related conditions. The frequency data for this variant in the population databases is considered unreliable, as metrics indicate insufficient coverage at this position in the ExAC database. This sequence change replaces valine with isoleucine at codon 46 of the SELENON protein (p.Val46Ile). The valine residue is weakly conserved and there is a small physicochemical difference between valine and isoleucine.

NM_206926.2(SELENON):c.136G>A (p.Val46Ile)

Gene: SELENON (selenoprotein N; plus strand). Cytogenetic location: 1p36.11.
Variant type: single nucleotide variant.
Coding change: c.136G>A on transcript NM_206926.2 (MANE Select); coding-DNA position 136, G replaced by A.
Protein change: p.Val46Ile; replaces valine 46 with isoleucine.
Molecular consequence: missense variant.
Genome position (GRCh38, 1-based): chr1:25,800,366, G>A. VCF-style: chr1-25800366-G-A. GRCh37 (hg19) VCF-style: chr1-26126857-G-A.
Other names: c.136G>A, p.Val46Ile (NM_020451.3); short protein forms V46I.
Identifiers: ClinVar variation 1374266 (VCV001374266.6), dbSNP rs2124436757, ClinGen allele CA339106148.
Genomic context (GRCh38, chr1:25,800,366, plus strand): 5'-CGCCGCGCCCGTTCCCTGGCGCTGCTCGGAGCCCTGCTGGCCGCCGCCGCTGCCGCCGCC[G>A]TCCGGGTCTGCGCCCGCCACGCCGAGGCCCAGGCGGCCGCGCGGCAGGTCCGGGCCCGAG-3'
Protein context (NP_996809.1, residues 36-56): ALLAAAAAAA[Val46Ile]RVCARHAEAQ